The following is an entry in ClinVar:

ClinVar aggregate classification (germline): Pathogenic/Likely pathogenic. Review status: criteria provided, multiple submitters, no conflicts (2 of 4 stars). 3 submissions from 3 submitters: Pathogenic (1); Likely pathogenic (2). Last evaluated 2024-03-23.

Conditions:
Thyroglobulin synthesis defect (TDH5). Also called: THYROID HORMONOGENESIS, GENETIC DEFECT IN, 5; Thyroid dyshormonogenesis 5; HYPOTHYROIDISM, CONGENITAL, DUE TO DYSHORMONOGENESIS, 5. Identifiers: Orphanet 95716, MedGen C0342196, MONDO:0010137, OMIM 274900.

Submissions (3):

Fulgent Genetics
Classification: Likely pathogenic for Thyroglobulin synthesis defect. Last evaluated: 2024-03-23. Review status: criteria provided, single submitter. Criteria: ACMG Guidelines, 2015. Collection method: clinical testing. Allele origin: germline.

Labcorp Genetics (formerly Invitae), Labcorp
Classification: Pathogenic. Last evaluated: 2018-02-08. Review status: criteria provided, single submitter. Criteria: Invitae Variant Classification Sherloc (09022015). Collection method: clinical testing. Allele origin: germline.
Comment: For these reasons, this variant has been classified as Pathogenic. Loss-of-function variants in DUOXA2 are known to be pathogenic (PMID: 18042646, 23292166, 25675383). This variant has not been reported in the literature in individuals with DUOXA2-related disease. This variant is not present in population databases (ExAC no frequency). This sequence change creates a premature translational stop signal (p.Leu32Phefs*78) in the DUOXA2 gene. It is expected to result in an absent or disrupted protein product.

CENTOGENE GmbH and LLC - Guiding Precision Medicine
Classification: Likely pathogenic for Thyroglobulin synthesis defect. Review status: criteria provided, single submitter. Criteria: ACMG Guidelines, 2015. Collection method: clinical testing. Allele origin: germline. Affected: yes.

Literature cited by the submitters: PubMed 18042646 (cited by Labcorp Genetics (formerly Invitae), Labcorp); PubMed 23292166 (cited by Labcorp Genetics (formerly Invitae), Labcorp); PubMed 25675383 (cited by Labcorp Genetics (formerly Invitae), Labcorp); PubMed 32860008 (cited by CENTOGENE GmbH and LLC - Guiding Precision Medicine).

NM_207581.4(DUOXA2):c.95dup (p.Leu32fs)

Gene: DUOXA2 (dual oxidase maturation factor 2; plus strand). Cytogenetic location: 15q21.1.
Variant type: Duplication.
Coding change: c.95dup on transcript NM_207581.4 (MANE Select); coding-DNA position 95, one base duplicated (T; older notation c.95dupT).
Protein change: p.Leu32fs; shifts the reading frame from leucine 32.
Molecular consequence: frameshift variant.
Genome position (GRCh38, 1-based): chr15:45,114,700, T duplicated; the last of 5 consecutive T bases (chr15:45,114,696-45,114,700); duplicating any one gives the same sequence. VCF-style (leftmost placement, unchanged base first): chr15-45114695-G-GT. GRCh37 (hg19) VCF-style: chr15-45406893-G-GT.
Other names: short protein forms L32fs.
Identifiers: ClinVar variation 974896 (VCV000974896.8), dbSNP rs974496530, ClinGen allele CA270136353.